The following is an entry in ClinVar:

NM_015001.3(SPEN):c.4598G>A (p.Ser1533Asn)

Gene: SPEN (spen family transcriptional repressor; plus strand). Cytogenetic location: 1p36.13.
Variant type: single nucleotide variant.
Coding change: c.4598G>A on transcript NM_015001.3 (MANE Select); coding-DNA position 4598, G replaced by A.
Protein change: p.Ser1533Asn; replaces serine 1533 with asparagine.
Molecular consequence: missense variant.
Genome position (GRCh38, 1-based): chr1:15,930,838, G>A. VCF-style: chr1-15930838-G-A. GRCh37 (hg19) VCF-style: chr1-16257333-G-A.
Other names: short protein forms S1533N.
Identifiers: ClinVar variation 4536463 (VCV004536463.2).

ClinVar aggregate classification (germline): Uncertain significance (1 of 4 stars; one submission).

Submission:

GeneDx
Classification: Uncertain significance. Last evaluated: 2026-02-20. Review status: criteria provided, single submitter. Criteria: GeneDx Variant Classification Process June 2021. Collection method: clinical testing. Allele origin: germline.
Comment: Not observed at significant frequency in large population cohorts (gnomAD); In silico analysis suggests that this missense variant does not alter protein structure/function; Has not been previously published as pathogenic or benign to our knowledge